The following is an entry in ClinVar:

ClinVar aggregate classification (germline): Uncertain significance (1 of 4 stars; one submission).

Conditions:
Neuropathy, hereditary sensory, type 1F. Also called: Hereditary sensory neuropathy type IF; HSN IF. Identifiers: Orphanet 36386, MedGen C3810194, MONDO:0014286, OMIM 615632.

Allele frequency attached by ClinVar (database versions not stated): gnomAD exomes below 0.00001.
gnomAD v4.1: 1 of 1,596,254 alleles (0.000063%); highest among the groups gnomAD compares: Non-Finnish European, 0.000085%; no homozygotes.

Submission:

Labcorp Genetics (formerly Invitae), Labcorp
Classification: Uncertain significance for Neuropathy, hereditary sensory, type 1F. Last evaluated: 2024-04-22. Review status: criteria provided, single submitter. Criteria: Invitae Variant Classification Sherloc (09022015). Collection method: clinical testing. Allele origin: germline.
Comment: This sequence change replaces glutamine, which is neutral and polar, with leucine, which is neutral and non-polar, at codon 185 of the ATL3 protein (p.Gln185Leu). This variant is not present in population databases (gnomAD no frequency). This variant has not been reported in the literature in individuals affected with ATL3-related conditions. ClinVar contains an entry for this variant (Variation ID: 1044243). Advanced modeling of protein sequence and biophysical properties (such as structural, functional, and spatial information, amino acid conservation, physicochemical variation, residue mobility, and thermodynamic stability) has been performed at Invitae for this missense variant, however the output from this modeling did not meet the statistical confidence thresholds required to predict the impact of this variant on ATL3 protein function. In summary, the available evidence is currently insufficient to determine the role of this variant in disease. Therefore, it has been classified as a Variant of Uncertain Significance.

NM_015459.5(ATL3):c.554A>T (p.Gln185Leu)

Genes: LNCROPM (lncRNA regulator of PLAAT3 mediated phospholipid metabolism; plus strand), ATL3 (atlastin GTPase 3; minus strand). Cytogenetic location: 11q13.1.
Variant type: single nucleotide variant.
Coding change: c.554A>T on transcript NM_015459.5 (MANE Select); coding-DNA position 554, A replaced by T.
Protein change: p.Gln185Leu; replaces glutamine 185 with leucine.
Molecular consequence: missense variant.
Genome position (GRCh38, 1-based): chr11:63,651,943, T>A on the plus strand (A>T on the coding strand, the complement: ATL3 is on the minus strand). VCF-style: chr11-63651943-T-A. GRCh37 (hg19) VCF-style: chr11-63419415-T-A.
Other names: c.500A>T, p.Gln167Leu (NM_001290048.2); short protein forms Q167L, Q185L.
Identifiers: ClinVar variation 1044243 (VCV001044243.9), dbSNP rs1940091509, ClinGen allele CA381026803.